The following is an entry in ClinVar:

ClinVar aggregate classification (germline): Uncertain significance. Review status: criteria provided, single submitter (1 of 4 stars). 2 submissions from 2 submitters: Uncertain significance (1). 1 of the submissions does not count toward it. Last evaluated 2020-05-21.

Conditions:
Glycogen storage disease type III (GSD3). Also called: Cori disease; FORBES DISEASE. Identifiers: Orphanet 366, MedGen C0017922, MONDO:0009291, OMIM 232400.

gnomAD v4.1: 2 of 1,613,972 alleles (0.00012%); highest among the groups gnomAD compares: South Asian, 0.0011%; no homozygotes.

Submissions (2):

Labcorp Genetics (formerly Invitae), Labcorp
Classification: Uncertain significance for Glycogen storage disease type III. Last evaluated: 2020-05-21. Review status: criteria provided, single submitter. Criteria: Invitae Variant Classification Sherloc (09022015). Collection method: clinical testing. Allele origin: germline.
Comment: This sequence change replaces leucine with phenylalanine at codon 22 of the AGL protein (p.Leu22Phe). The leucine residue is moderately conserved and there is a small physicochemical difference between leucine and phenylalanine. This variant is present in population databases (rs762204351, ExAC 0.006%). This variant has not been reported in the literature in individuals with AGL-related conditions. Algorithms developed to predict the effect of missense changes on protein structure and function are either unavailable or do not agree on the potential impact of this missense change (SIFT: "Deleterious"; PolyPhen-2: "Probably Damaging"; Align-GVGD: "Class C0"). In summary, the available evidence is currently insufficient to determine the role of this variant in disease. Therefore, it has been classified as a Variant of Uncertain Significance.

Natera, Inc.
Classification: Uncertain significance for Glycogen storage disease type III. Last evaluated: 2020-07-09. Review status: no assertion criteria provided. Collection method: clinical testing. Allele origin: germline. Not counted in ClinVar's aggregate classification.

NM_000642.3(AGL):c.64C>T (p.Leu22Phe)

Gene: AGL (amylo-alpha-1,6-glucosidase and 4-alpha-glucanotransferase; plus strand). Cytogenetic location: 1p21.2.
Variant type: single nucleotide variant.
Coding change: c.64C>T on transcript NM_000642.3 (MANE Select); coding-DNA position 64, C replaced by T.
Protein change: p.Leu22Phe; replaces leucine 22 with phenylalanine.
Molecular consequence: missense variant.
Genome position (GRCh38, 1-based): chr1:99,851,106, C>T. VCF-style: chr1-99851106-C-T. GRCh37 (hg19) VCF-style: chr1-100316662-C-T.
Other names: c.64C>T, p.Leu22Phe (NM_000028.3, NM_000643.3, NM_000644.3 and 6 more transcripts); c.-128C>T (NM_000646.3); short protein forms L22F.
Identifiers: ClinVar variation 1024138 (VCV001024138.13), dbSNP rs762204351, ClinGen allele CA966002.